The following is an entry in ClinVar:

ClinVar aggregate classification (germline): Uncertain significance (1 of 4 stars; one submission).

Conditions:
Marfan syndrome (MFS). Also called: MARFAN SYNDROME, TYPE I; Marfan syndrome type 1; Marfan's syndrome; Marfan syndrome, classic; FBN1-Related Marfan Syndrome. Identifiers: Orphanet 284963, Orphanet 558, MedGen C0024796, MONDO:0007947, OMIM 154700.
Familial thoracic aortic aneurysm and aortic dissection (TAAD). Also called: Thoracic aortic aneurysms and dissections. Identifiers: Orphanet 91387, MedGen C4707243, MONDO:0019625.

Submission:

Labcorp Genetics (formerly Invitae), Labcorp
Classification: Uncertain significance for Marfan syndrome; Familial thoracic aortic aneurysm and aortic dissection. Last evaluated: 2023-01-30. Review status: criteria provided, single submitter. Criteria: Invitae Variant Classification Sherloc (09022015). Collection method: clinical testing. Allele origin: germline.
Comment: This variant is not present in population databases (gnomAD no frequency). This variant has not been reported in the literature in individuals affected with FBN1-related conditions. Algorithms developed to predict the effect of sequence changes on RNA splicing suggest that this variant may create or strengthen a splice site. In summary, the available evidence is currently insufficient to determine the role of this variant in disease. Therefore, it has been classified as a Variant of Uncertain Significance. This sequence change falls in intron 44 of the FBN1 gene. It does not directly change the encoded amino acid sequence of the FBN1 protein.

NM_000138.5(FBN1):c.5423-17T>G

Gene: FBN1 (fibrillin 1; minus strand). Cytogenetic location: 15q21.1.
Variant type: single nucleotide variant.
Coding change: c.5423-17T>G on transcript NM_000138.5 (MANE Select); 17 bases into the intron before coding-DNA position 5423, T replaced by G.
Molecular consequence: intron variant.
Genome position (GRCh38, 1-based): chr15:48,452,701, A>C on the plus strand (T>G on the coding strand, the complement: FBN1 is on the minus strand). VCF-style: chr15-48452701-A-C. GRCh37 (hg19) VCF-style: chr15-48744898-A-C.
Other names: c.5423-17T>G (NM_001406716.1).
Identifiers: ClinVar variation 2928436 (VCV002928436.3), dbSNP rs2505471048, ClinGen allele CA2740096644.